The following is an entry in ClinVar:

NM_000447.3(PSEN2):c.589G>A (p.Val197Met)

Gene: PSEN2 (presenilin 2; plus strand). Cytogenetic location: 1q42.13.
Variant type: single nucleotide variant.
Coding change: c.589G>A on transcript NM_000447.3 (MANE Select); coding-DNA position 589, G replaced by A.
Protein change: p.Val197Met; replaces valine 197 with methionine.
Molecular consequence: missense variant.
Genome position (GRCh38, 1-based): chr1:226,888,851, G>A. VCF-style: chr1-226888851-G-A. GRCh37 (hg19) VCF-style: chr1-227076552-G-A.
Other names: c.589G>A, p.Val197Met (NM_012486.3); short protein forms V197M.
Identifiers: ClinVar variation 2920003 (VCV002920003.7), dbSNP rs770238439, ClinGen allele CA1424592.

ClinVar aggregate classification (germline): Uncertain significance. Review status: criteria provided, multiple submitters, no conflicts (2 of 4 stars). 2 submissions from 2 submitters: Uncertain significance (2). Last evaluated 2026-02-01.

Conditions:
Alzheimer disease 4 (AD4). Identifiers: Orphanet 1020, MedGen C1847200, MONDO:0011743, OMIM 606889.

Allele frequency attached by ClinVar (database versions not stated): ExAC 0.00002; gnomAD exomes 0.00002; gnomAD 0.00003; TOPMed 0.00003.
gnomAD v4.1: 33 of 1,614,048 alleles (0.002%); highest among the groups gnomAD compares: Admixed American, 0.0033%; no homozygotes.

Submissions (2):

CeGaT Center for Human Genetics Tuebingen
Classification: Uncertain significance. Last evaluated: 2026-02-01. Review status: criteria provided, single submitter. Criteria: CeGaT Center For Human Genetics Tuebingen Variant Classification Criteria Version 2. Collection method: clinical testing. Allele origin: germline. Affected: yes. Observed: 1 variant allele.

Labcorp Genetics (formerly Invitae), Labcorp
Classification: Uncertain significance for Alzheimer disease 4. Last evaluated: 2023-04-17. Review status: criteria provided, single submitter. Criteria: Invitae Variant Classification Sherloc (09022015). Collection method: clinical testing. Allele origin: germline.
Comment: In summary, the available evidence is currently insufficient to determine the role of this variant in disease. Therefore, it has been classified as a Variant of Uncertain Significance. Advanced modeling of protein sequence and biophysical properties (such as structural, functional, and spatial information, amino acid conservation, physicochemical variation, residue mobility, and thermodynamic stability) performed at Invitae indicates that this missense variant is not expected to disrupt PSEN2 protein function. This variant has not been reported in the literature in individuals affected with PSEN2-related conditions. This variant is present in population databases (rs770238439, gnomAD 0.006%). This sequence change replaces valine, which is neutral and non-polar, with methionine, which is neutral and non-polar, at codon 197 of the PSEN2 protein (p.Val197Met).